The following is an entry in ClinVar:

ClinVar aggregate classification (germline): Uncertain significance (1 of 4 stars; one submission).

Submission:

Labcorp Genetics (formerly Invitae), Labcorp
Classification: Uncertain significance. Last evaluated: 2025-03-05. Review status: criteria provided, single submitter. Criteria: Invitae Variant Classification Sherloc (09022015). Collection method: clinical testing. Allele origin: germline.
Comment: The OPA1 gene has multiple clinically relevant transcripts. This variant occurs in alternate transcript NM_130837.2, and corresponds to NM_015560.2:c.625-5422A>C in the primary transcript. This sequence change replaces glutamine, which is neutral and polar, with histidine, which is basic and polar, at codon 259 of the OPA1 protein (p.Gln259His). This variant is not present in population databases (gnomAD no frequency). This variant has not been reported in the literature in individuals affected with OPA1-related conditions. Experimental studies and prediction algorithms are not available or were not evaluated, and the functional significance of this variant is currently unknown. Algorithms developed to predict the effect of sequence changes on RNA splicing suggest that this variant is not likely to affect RNA splicing. In summary, the available evidence is currently insufficient to determine the role of this variant in disease. Therefore, it has been classified as a Variant of Uncertain Significance.

NM_130837.3(OPA1):c.777A>C (p.Gln259His)

Genes: OPA1 (OPA1 mitochondrial dynamin like GTPase; plus strand), OPA1-AS1 (OPA1 antisense RNA 1; minus strand). Cytogenetic location: 3q29.
Variant type: single nucleotide variant.
Coding change: c.777A>C on transcript NM_130837.3 (MANE Select); coding-DNA position 777, A replaced by C.
Protein change: p.Gln259His; replaces glutamine 259 with histidine.
Molecular consequence: missense variant. On other transcripts: intron variant (5).
Genome position (GRCh38, 1-based): chr3:193,626,190, A>C. VCF-style: chr3-193626190-A-C. GRCh37 (hg19) VCF-style: chr3-193343979-A-C.
Other names: c.243A>C, p.Gln81His (NM_001354663.2); c.615A>C, p.Gln205His (NM_130833.3); c.669A>C, p.Gln223His (NM_130835.3); c.723A>C, p.Gln241His (NM_130836.3); c.253-5422A>C (NM_001354664.2); c.679-5422A>C (NM_130834.3); c.625-5422A>C (NM_015560.3); c.571-5422A>C (NM_130832.3); and 1 more; short protein forms Q205H, Q223H, Q241H, Q259H, Q81H.
Identifiers: ClinVar variation 4801774 (VCV004801774.1).